The following is an entry in ClinVar:

ClinVar aggregate classification (germline): Uncertain significance (0 of 4 stars; one submission).

Conditions:
KCNN4-related disorder. Also called: KCNN4-related condition.

gnomAD v4.1: 6 of 1,614,006 alleles (0.00037%); highest among the groups gnomAD compares: African/African-American, 0.008%; no homozygotes.

Submission:

PreventionGenetics, part of Exact Sciences
Classification: Uncertain significance for KCNN4-related condition. Last evaluated: 2024-09-17. Review status: no assertion criteria provided. Collection method: clinical testing. Allele origin: germline.
Comment: The KCNN4 c.1133T>C variant is predicted to result in the amino acid substitution p.Leu378Pro. To our knowledge, this variant has not been reported in the literature. This variant is reported in 0.018% of alleles in individuals of African descent in gnomAD. At this time, the clinical significance of this variant is uncertain due to the absence of conclusive functional and genetic evidence.

NM_002250.3(KCNN4):c.1133T>C (p.Leu378Pro)

Gene: KCNN4 (potassium calcium-activated channel subfamily N member 4; minus strand). Cytogenetic location: 19q13.31.
Variant type: single nucleotide variant.
Coding change: c.1133T>C on transcript NM_002250.3 (MANE Select); coding-DNA position 1133, T replaced by C.
Protein change: p.Leu378Pro; replaces leucine 378 with proline.
Molecular consequence: missense variant.
Genome position (GRCh38, 1-based): chr19:43,767,694, A>G on the plus strand (T>C on the coding strand, the complement: KCNN4 is on the minus strand). VCF-style: chr19-43767694-A-G. GRCh37 (hg19) VCF-style: chr19-44271846-A-G.
Other names: short protein forms L378P.
Identifiers: ClinVar variation 3358711 (VCV003358711.1).